The following is an entry in ClinVar:

NM_001267550.2(TTN):c.-108G>A

Gene: TTN (titin; minus strand). Cytogenetic location: 2q31.2.
Variant type: single nucleotide variant.
Coding change: c.-108G>A on transcript NM_001267550.2 (MANE Select); 108 bases upstream of the start codon, G replaced by A.
Molecular consequence: 5 prime UTR variant.
Genome position (GRCh38, 1-based): chr2:178,807,306, C>T on the plus strand (G>A on the coding strand, the complement: TTN is on the minus strand). VCF-style: chr2-178807306-C-T. GRCh37 (hg19) VCF-style: chr2-179672033-C-T.
Other names: c.-108G>A (NM_001256850.1, NM_003319.4, NM_133378.4 and 3 more transcripts).
Identifiers: ClinVar variation 332974 (VCV000332974.8), dbSNP rs13422986, ClinGen allele CA10611723.

ClinVar aggregate classification (germline): Benign/Likely benign. Review status: criteria provided, multiple submitters, no conflicts (2 of 4 stars). 7 submissions from 3 submitters: Benign (5); Likely benign (2). Last evaluated 2019-05-03.

Conditions:
Early-onset myopathy with fatal cardiomyopathy (CMYO5). Also called: CONGENITAL MYOPATHY 5 WITH CARDIOMYOPATHY; Salih Myopathy. Identifiers: Orphanet 289377, MedGen C2673677, MONDO:0012714, OMIM 611705. Disease mechanism: loss of function.
Myopathy, myofibrillar, 9, with early respiratory failure (MFM9). Also called: Myopathy, distal, with early respiratory failure, autosomal dominant; Hereditary myopathy with early respiratory failure; EDSTROM MYOPATHY; MYOPATHY, PROXIMAL, WITH EARLY RESPIRATORY MUSCLE INVOLVEMENT. Identifiers: Orphanet 178464, Orphanet 34521, MedGen C1863599, MONDO:0011362, OMIM 603689.
Autosomal recessive limb-girdle muscular dystrophy type 2J (LGMDR10). Also called: MUSCULAR DYSTROPHY, LIMB-GIRDLE, AUTOSOMAL RECESSIVE 10; Limb-girdle muscular dystrophy, type 2J. Identifiers: Orphanet 140922, MedGen C1837342, MONDO:0012127, OMIM 608807.
Tibial muscular dystrophy (TMD). Also called: Udd Distal Myopathy – Tibial Muscular Dystrophy; UDD MYOPATHY; Tibial muscular dystrophy, tardive. Identifiers: Orphanet 609, MedGen C1838244, MONDO:0010870, OMIM 600334.
Dilated cardiomyopathy 1G (CMD1G). Identifiers: Orphanet 154, MedGen C1858763, MONDO:0011400, OMIM 604145.

Allele frequency attached by ClinVar (database versions not stated): gnomAD 0.01696 and 0.01823; TOPMed 0.01971; 1000 Genomes Project 0.01977; 1000 Genomes Project 30x 0.02171.

Submissions (7):

GeneDx
Classification: Benign. Last evaluated: 2019-05-03. Review status: criteria provided, single submitter. Criteria: GeneDx Variant Classification Process June 2021. Collection method: clinical testing. Allele origin: germline. Affected: yes.

Illumina Laboratory Services, Illumina
Classification: Benign for Autosomal recessive limb-girdle muscular dystrophy type 2J. Last evaluated: 2018-01-13. Review status: criteria provided, single submitter. Criteria: ICSL Variant Classification Criteria 13 December 2019. Collection method: clinical testing. Allele origin: germline.
Comment: This variant was observed in the ICSL laboratory as part of a predisposition screen in an ostensibly healthy population. It had not been previously curated by ICSL or reported in the Human Gene Mutation Database (HGMD: prior to June 1st, 2018), and was therefore a candidate for classification through an automated scoring system. Utilizing variant allele frequency, disease prevalence and penetrance estimates, and inheritance mode, an automated score was calculated to assess if this variant is too frequent to cause the disease. Based on the score and internal cut-off values, a variant classified as benign is not then subjected to further curation. The score for this variant resulted in a classification of benign for this disease.

Illumina Laboratory Services, Illumina
Classification: Benign for Early-onset myopathy with fatal cardiomyopathy. Last evaluated: 2018-01-13. Review status: criteria provided, single submitter. Criteria: ICSL Variant Classification Criteria 13 December 2019. Collection method: clinical testing. Allele origin: germline.
Comment: the same text as in the submission from Illumina Laboratory Services, Illumina above.

Illumina Laboratory Services, Illumina
Classification: Benign for Tibial muscular dystrophy. Last evaluated: 2018-01-13. Review status: criteria provided, single submitter. Criteria: ICSL Variant Classification Criteria 13 December 2019. Collection method: clinical testing. Allele origin: germline.
Comment: the same text as in the submission from Illumina Laboratory Services, Illumina above.

Illumina Laboratory Services, Illumina
Classification: Likely benign for Dilated cardiomyopathy 1G. Last evaluated: 2018-01-13. Review status: criteria provided, single submitter. Criteria: ICSL Variant Classification Criteria 13 December 2019. Collection method: clinical testing. Allele origin: germline.
Comment: This variant was observed in the ICSL laboratory as part of a predisposition screen in an ostensibly healthy population. It had not been previously curated by ICSL or reported in the Human Gene Mutation Database (HGMD: prior to June 1st, 2018), and was therefore a candidate for classification through an automated scoring system. Utilizing variant allele frequency, disease prevalence and penetrance estimates, and inheritance mode, an automated score was calculated to assess if this variant is too frequent to cause the disease. Based on the score and internal cut-off values, a variant classified as likely benign is not then subjected to further curation. The score for this variant resulted in a classification of likely benign for this disease.

Illumina Laboratory Services, Illumina
Classification: Benign for Myopathy, myofibrillar, 9, with early respiratory failure. Last evaluated: 2018-01-13. Review status: criteria provided, single submitter. Criteria: ICSL Variant Classification Criteria 13 December 2019. Collection method: clinical testing. Allele origin: germline.
Comment: the same text as in the submission from Illumina Laboratory Services, Illumina above.

Breakthrough Genomics
Classification: Likely benign. Review status: criteria provided, single submitter. Criteria: ACMG Guidelines, 2015. Collection method: not provided. Allele origin: germline. Inheritance: Autosomal recessive inheritance. Affected: yes.